The following is an entry in ClinVar:

ClinVar aggregate classification (germline): Uncertain significance. Review status: criteria provided, multiple submitters, no conflicts (2 of 4 stars). 2 submissions from 2 submitters: Uncertain significance (2). Last evaluated 2023-11-20.

Conditions:
Inborn genetic diseases. Identifiers: MedGen C0950123, MeSH D030342.

Allele frequency attached by ClinVar (database versions not stated): gnomAD 0.00001; TOPMed below 0.00001.
gnomAD v4.1: 4 of 1,608,558 alleles (0.00025%); highest among the groups gnomAD compares: Non-Finnish European, 0.00034%; no homozygotes.

Submissions (2):

Ambry Genetics
Classification: Uncertain significance for Inborn genetic diseases. Last evaluated: 2023-11-20. Review status: criteria provided, single submitter. Criteria: Ambry Variant Classification Scheme 2023. Collection method: clinical testing. Allele origin: germline.

Labcorp Genetics (formerly Invitae), Labcorp
Classification: Uncertain significance. Last evaluated: 2021-09-24. Review status: criteria provided, single submitter. Criteria: Invitae Variant Classification Sherloc (09022015). Collection method: clinical testing. Allele origin: germline.
Comment: This sequence change replaces serine with asparagine at codon 4554 of the LRP2 protein (p.Ser4554Asn). The serine residue is weakly conserved and there is a small physicochemical difference between serine and asparagine. This variant is not present in population databases (ExAC no frequency). This variant has not been reported in the literature in individuals with LRP2-related conditions. Advanced modeling of protein sequence and biophysical properties (such as structural, functional, and spatial information, amino acid conservation, physicochemical variation, residue mobility, and thermodynamic stability) performed at Invitae indicates that this missense variant is not expected to disrupt LRP2 protein function. In summary, the available evidence is currently insufficient to determine the role of this variant in disease. Therefore, it has been classified as a Variant of Uncertain Significance.

NM_004525.3(LRP2):c.13661G>A (p.Ser4554Asn)

Gene: LRP2 (LDL receptor related protein 2; minus strand). Cytogenetic location: 2q31.1.
Variant type: single nucleotide variant.
Coding change: c.13661G>A on transcript NM_004525.3 (MANE Select); coding-DNA position 13661, G replaced by A.
Protein change: p.Ser4554Asn; replaces serine 4554 with asparagine.
Molecular consequence: missense variant.
Genome position (GRCh38, 1-based): chr2:169,132,641, C>T on the plus strand (G>A on the coding strand, the complement: LRP2 is on the minus strand). VCF-style: chr2-169132641-C-T. GRCh37 (hg19) VCF-style: chr2-169989151-C-T.
Other names: c.13661G>A (NM_004525.2); short protein forms S4554N.
Identifiers: ClinVar variation 1432605 (VCV001432605.6), dbSNP rs770208297, ClinGen allele CA349150913.
Genomic context (GRCh38, chr2:169,132,641, plus strand): 5'-CCATCAGCAGCTGGTGAAGTTGGGTTTGTCTCTGGAACTATCTCAGAAGGGTTTATGGGA[C>T]TTCCATAATTCTTATTATCCACATTTTCAGATACAGTCACCTGTGGACATGTTAAAGGCC-3'
Protein context (NP_004516.2, residues 4544-4564): SENVDNKNYG[Ser4554Asn]PINPSEIVPE